The following is an entry in ClinVar:

ClinVar aggregate classification (germline): Conflicting classifications of pathogenicity. Review status: criteria provided, conflicting classifications (1 of 4 stars). 7 submissions from 7 submitters: Uncertain significance (1); Benign (1); Likely benign (5). Last evaluated 2025-12-09.

Conditions:
Developmental and epileptic encephalopathy, 42 (DEE42A). Also called: Epileptic encephalopathy, early infantile, 42; DEVELOPMENTAL AND EPILEPTIC ENCEPHALOPATHY 42A; EPILEPTIC ENCEPHALOPATHY, EARLY INFANTILE, 42A. Identifiers: MedGen C4310716, MONDO:0014917, OMIM 617106.
Episodic ataxia type 2 (EA2). Also called: ACETAZOLAMIDE-RESPONSIVE HEREDITARY PAROXYSMAL CEREBELLAR ATAXIA; ATAXIA, EPISODIC, WITH NYSTAGMUS; ATAXIA, FAMILIAL PAROXYSMAL; CEREBELLAR ATAXIA, PAROXYSMAL, ACETAZOLAMIDE-RESPONSIVE; CEREBELLOPATHY, HEREDITARY PAROXYSMAL; EPISODIC ATAXIA, NYSTAGMUS-ASSOCIATED. Identifiers: Orphanet 97, MedGen C1720416, MONDO:0007163, OMIM 108500.
Inborn genetic diseases. Identifiers: MedGen C0950123, MeSH D030342.

Allele frequency attached by ClinVar (database versions not stated): TOPMed 0.00012; 1000 Genomes Project 30x 0.00016; 1000 Genomes Project 0.00020; gnomAD 0.00022; ESP Exome Variant Server 0.00025.
gnomAD v4.1: 66 of 1,612,666 alleles (0.0041%); highest among the groups gnomAD compares: African/African-American, 0.056%; no homozygotes.

Submissions (7):

Labcorp Genetics (formerly Invitae), Labcorp
Classification: Likely benign for Developmental and epileptic encephalopathy, 42; Episodic ataxia type 2. Last evaluated: 2025-12-09. Review status: criteria provided, single submitter. Criteria: Invitae Variant Classification Sherloc (09022015). Collection method: clinical testing. Allele origin: germline.

Blueprint Genetics
Classification: Likely benign. Last evaluated: 2024-06-27. Review status: criteria provided, single submitter. Criteria: ACMG Guidelines, 2015. Collection method: clinical testing. Allele origin: germline.

CeGaT Center for Human Genetics Tuebingen
Classification: Likely benign. Last evaluated: 2023-02-01. Review status: criteria provided, single submitter. Criteria: CeGaT Center For Human Genetics Tuebingen Variant Classification Criteria Version 2. Collection method: clinical testing. Allele origin: germline. Affected: yes. Observed: 1 variant allele.
Comment: CACNA1A: BP4, BP7

GeneDx
Classification: Likely benign. Last evaluated: 2020-10-08. Review status: criteria provided, single submitter. Criteria: GeneDx Variant Classification Process June 2021. Collection method: clinical testing. Allele origin: germline. Affected: yes.

Athena Diagnostics
Classification: Benign. Last evaluated: 2017-02-07. Review status: criteria provided, single submitter. Criteria: Athena Diagnostics Criteria. Collection method: clinical testing. Allele origin: germline.

Ambry Genetics
Classification: Likely benign for Inborn genetic diseases. Last evaluated: 2016-12-15. Review status: criteria provided, single submitter. Criteria: Ambry Variant Classification Scheme 2023. Collection method: clinical testing. Allele origin: germline.

Eurofins Ntd Llc (ga)
Classification: Uncertain significance. Last evaluated: 2016-06-07. Review status: criteria provided, single submitter. Criteria: EGL Classification Definitions 2015. Collection method: clinical testing. Allele origin: germline. Observed: 1 variant allele, 1 heterozygote.

NM_001127222.2(CACNA1A):c.1395G>A (p.Ser465=)

Gene: CACNA1A (calcium voltage-gated channel subunit alpha1 A; minus strand). Cytogenetic location: 19p13.13.
Variant type: single nucleotide variant.
Coding change: c.1395G>A on transcript NM_001127222.2 (MANE Select); coding-DNA position 1395, G replaced by A.
Protein change: p.Ser465=; no amino-acid change (serine 465 retained).
Molecular consequence: synonymous variant.
Genome position (GRCh38, 1-based): chr19:13,317,272, C>T on the plus strand (G>A on the coding strand, the complement: CACNA1A is on the minus strand). VCF-style: chr19-13317272-C-T. GRCh37 (hg19) VCF-style: chr19-13428086-C-T.
Other names: c.1398G>A, p.Ser466= (NM_000068.4, NM_001127221.2, NM_001174080.2 and 1 more transcripts).
Identifiers: ClinVar variation 287562 (VCV000287562.62), dbSNP rs374307014, ClinGen allele CA9240820.